The following is an entry in ClinVar:

ClinVar aggregate classification (germline): Uncertain significance. Review status: criteria provided, multiple submitters, no conflicts (2 of 4 stars). 2 submissions from 2 submitters: Uncertain significance (2). Last evaluated 2025-09-22.

Conditions:
Osteogenesis imperfecta type I (OI1). Also called: Lobstein disease; Classic Non-deforming Osteogenesis Imperfecta with Blue Sclerae; OI, TYPE I; OSTEOGENESIS IMPERFECTA TARDA; OSTEOGENESIS IMPERFECTA WITH BLUE SCLERAE; Osteogenesis imperfecta type 1. Identifiers: Orphanet 216796, Orphanet 666, MedGen C0023931, MONDO:0008146, OMIM 166200. Disease mechanism: loss of function.

gnomAD v4.1: 15 of 1,600,222 alleles (0.00094%); highest among the groups gnomAD compares: African/African-American, 0.004%; no homozygotes.

Submissions (2):

Labcorp Genetics (formerly Invitae), Labcorp
Classification: Uncertain significance for Osteogenesis imperfecta type I. Last evaluated: 2025-09-22. Review status: criteria provided, single submitter. Criteria: Invitae Variant Classification Sherloc (09022015). Collection method: clinical testing. Allele origin: germline.
Comment: This sequence change replaces arginine, which is basic and polar, with histidine, which is basic and polar, at codon 1014 of the COL1A1 protein (p.Arg1014His). This variant is present in population databases (no rsID available, gnomAD 0.005%). This variant has not been reported in the literature in individuals affected with COL1A1-related conditions. ClinVar contains an entry for this variant (Variation ID: 3666710). Invitae Evidence Modeling of protein sequence and biophysical properties (such as structural, functional, and spatial information, amino acid conservation, physicochemical variation, residue mobility, and thermodynamic stability) has been performed for this missense variant. However, the output from this modeling did not meet the statistical confidence thresholds required to predict the impact of this variant on COL1A1 protein function. In summary, the available evidence is currently insufficient to determine the role of this variant in disease. Therefore, it has been classified as a Variant of Uncertain Significance.

Blueprint Genetics
Classification: Uncertain significance. Last evaluated: 2024-08-13. Review status: criteria provided, single submitter. Criteria: ACMG Guidelines, 2015. Collection method: clinical testing. Allele origin: germline.

NM_000088.4(COL1A1):c.3041G>A (p.Arg1014His)

Gene: COL1A1 (collagen type I alpha 1 chain; minus strand). Cytogenetic location: 17q21.33.
Variant type: single nucleotide variant.
Coding change: c.3041G>A on transcript NM_000088.4 (MANE Select); coding-DNA position 3041, G replaced by A.
Protein change: p.Arg1014His; replaces arginine 1014 with histidine.
Molecular consequence: missense variant.
Genome position (GRCh38, 1-based): chr17:50,188,907, C>T on the plus strand (G>A on the coding strand, the complement: COL1A1 is on the minus strand). VCF-style: chr17-50188907-C-T. GRCh37 (hg19) VCF-style: chr17-48266268-C-T.
Other names: short protein forms R1014H.
Identifiers: ClinVar variation 3666710 (VCV003666710.3).
Genomic context (GRCh38, chr17:50,188,907, plus strand): 5'-GCAAGGCCACAATGGCCATGCTGAGGGTACTGGCATGGGGGCTGGGGACTGCTCACCTCA[C>T]GTCCAGATTCACCAGGGGGTCCAGCCAATCCAGGGGGGCCCATGGGACCAGGGGGACCAC-3'
Protein context (NP_000079.2, residues 1004-1024): GLAGPPGESG[Arg1014His]EGAPGAEGSP